The following is an entry in ClinVar:

ClinVar aggregate classification (germline): Uncertain significance (1 of 4 stars; one submission).

Conditions:
Short-rib thoracic dysplasia 7 with or without polydactyly (SRTD7). Also called: Short rib polydactyly syndrome 5; SHORT-RIB THORACIC DYSPLASIA 7 WITH POLYDACTYLY. Identifiers: Orphanet 498497, Orphanet 93271, MedGen C3279792, MONDO:0013569, OMIM 614091.
Cranioectodermal dysplasia 2 (CED2). Identifiers: Orphanet 1515, MedGen C3150874, MONDO:0013323, OMIM 613610.

Submission:

Labcorp Genetics (formerly Invitae), Labcorp
Classification: Uncertain significance for Cranioectodermal dysplasia 2; Short-rib thoracic dysplasia 7 with or without polydactyly. Last evaluated: 2025-10-01. Review status: criteria provided, single submitter. Criteria: Invitae Variant Classification Sherloc (09022015). Collection method: clinical testing. Allele origin: germline.
Comment: This sequence change replaces methionine, which is neutral and non-polar, with isoleucine, which is neutral and non-polar, at codon 193 of the WDR35 protein (p.Met193Ile). This variant is not present in population databases (gnomAD no frequency). This variant has not been reported in the literature in individuals affected with WDR35-related conditions. Invitae Evidence Modeling of protein sequence and biophysical properties (such as structural, functional, and spatial information, amino acid conservation, physicochemical variation, residue mobility, and thermodynamic stability) indicates that this missense variant is not expected to disrupt WDR35 protein function with a negative predictive value of 95%. In summary, the available evidence is currently insufficient to determine the role of this variant in disease. Therefore, it has been classified as a Variant of Uncertain Significance.

NM_020779.4(WDR35):c.579G>A (p.Met193Ile)

Gene: WDR35 (WD repeat domain 35; minus strand). Cytogenetic location: 2p24.1.
Variant type: single nucleotide variant.
Coding change: c.579G>A on transcript NM_020779.4 (MANE Select); coding-DNA position 579, G replaced by A.
Protein change: p.Met193Ile; replaces methionine 193 with isoleucine.
Molecular consequence: missense variant.
Genome position (GRCh38, 1-based): chr2:19,974,625, C>T on the plus strand (G>A on the coding strand, the complement: WDR35 is on the minus strand). VCF-style: chr2-19974625-C-T. GRCh37 (hg19) VCF-style: chr2-20174386-C-T.
Other names: c.579G>A, p.Met193Ile (NM_001006657.2); short protein forms M193I.
Identifiers: ClinVar variation 4790582 (VCV004790582.1).